The following is an entry in ClinVar:

NM_004380.3(CREBBP):c.955G>A (p.Val319Ile)

Gene: CREBBP (CREB binding lysine acetyltransferase; minus strand). Cytogenetic location: 16p13.3.
Variant type: single nucleotide variant.
Coding change: c.955G>A on transcript NM_004380.3 (MANE Select); coding-DNA position 955, G replaced by A.
Protein change: p.Val319Ile; replaces valine 319 with isoleucine.
Molecular consequence: missense variant.
Genome position (GRCh38, 1-based): chr16:3,810,623, C>T on the plus strand (G>A on the coding strand, the complement: CREBBP is on the minus strand). VCF-style: chr16-3810623-C-T. GRCh37 (hg19) VCF-style: chr16-3860624-C-T.
Other names: c.955G>A, p.Val319Ile (NM_001079846.1); c.955G>A (NM_004380.2); short protein forms V319I.
Identifiers: ClinVar variation 2083390 (VCV002083390.5), dbSNP rs2053919851, ClinGen allele CA394565875.

ClinVar aggregate classification (germline): Uncertain significance. Review status: criteria provided, multiple submitters, no conflicts (2 of 4 stars). 2 submissions from 2 submitters: Uncertain significance (2). Last evaluated 2025-02-26.

Conditions:
Rubinstein-Taybi syndrome (RSTS). Identifiers: Orphanet 783, MedGen C0035934, MONDO:0019188.
CREBBP-related disorder. Also called: CREBBP-related disorders; CREBBP-related condition.

Submissions (2):

PreventionGenetics, part of Exact Sciences
Classification: Uncertain significance for CREBBP-related condition. Last evaluated: 2025-02-26. Review status: criteria provided, single submitter. Criteria: ACMG Guidelines, 2015. Collection method: clinical testing. Allele origin: germline.
Comment: The CREBBP c.955G>A variant is predicted to result in the amino acid substitution p.Val319Ile. To our knowledge, this variant has not been reported in the literature or in a large population database (gnomAD), indicating this variant is rare. At this time, the clinical significance of this variant is uncertain due to the absence of conclusive functional and genetic evidence.

Labcorp Genetics (formerly Invitae), Labcorp
Classification: Uncertain significance for Rubinstein-Taybi syndrome. Last evaluated: 2023-07-20. Review status: criteria provided, single submitter. Criteria: Invitae Variant Classification Sherloc (09022015). Collection method: clinical testing. Allele origin: germline.
Comment: This sequence change replaces valine, which is neutral and non-polar, with isoleucine, which is neutral and non-polar, at codon 319 of the CREBBP protein (p.Val319Ile). This variant is not present in population databases (gnomAD no frequency). This variant has not been reported in the literature in individuals affected with CREBBP-related conditions. ClinVar contains an entry for this variant (Variation ID: 2083390). Advanced modeling of protein sequence and biophysical properties (such as structural, functional, and spatial information, amino acid conservation, physicochemical variation, residue mobility, and thermodynamic stability) performed at Invitae indicates that this missense variant is not expected to disrupt CREBBP protein function. In summary, the available evidence is currently insufficient to determine the role of this variant in disease. Therefore, it has been classified as a Variant of Uncertain Significance.